The following is an entry in ClinVar:

NM_000187.4(HGD):c.97C>G (p.Gln33Glu)

Gene: HGD (homogentisate 1,2-dioxygenase; minus strand). Cytogenetic location: 3q13.33.
Variant type: single nucleotide variant.
Coding change: c.97C>G on transcript NM_000187.4 (MANE Select); coding-DNA position 97, C replaced by G.
Protein change: p.Gln33Glu; replaces glutamine 33 with glutamic acid.
Molecular consequence: missense variant.
Genome position (GRCh38, 1-based): chr3:120,674,980, G>C on the plus strand (C>G on the coding strand, the complement: HGD is on the minus strand). VCF-style: chr3-120674980-G-C. GRCh37 (hg19) VCF-style: chr3-120393827-G-C.
Other names: short protein forms Q33E.
Identifiers: ClinVar variation 3725916 (VCV003725916.2).

ClinVar aggregate classification (germline): Uncertain significance (1 of 4 stars; one submission).

Conditions:
Alkaptonuria (AKU). Also called: HOMOGENTISIC ACID OXIDASE DEFICIENCY; Alkaptonuric ochronosis; Homogentisic acidura; Alcaptonuria. Identifiers: Orphanet 56, MedGen C0002066, MONDO:0008753, OMIM 203500.

gnomAD v4.1: 25 of 1,609,642 alleles (0.0016%); highest among the groups gnomAD compares: Non-Finnish European, 0.0021%; no homozygotes.

Submission:

Labcorp Genetics (formerly Invitae), Labcorp
Classification: Uncertain significance for Alkaptonuria. Last evaluated: 2024-04-14. Review status: criteria provided, single submitter. Criteria: Invitae Variant Classification Sherloc (09022015). Collection method: clinical testing. Allele origin: germline.
Comment: This sequence change replaces glutamine, which is neutral and polar, with glutamic acid, which is acidic and polar, at codon 33 of the HGD protein (p.Gln33Glu). This variant is present in population databases (rs775575402, gnomAD 0.0009%). This missense change has been observed in individual(s) with clinical features of alkaptonuria (Invitae). Advanced modeling of protein sequence and biophysical properties (such as structural, functional, and spatial information, amino acid conservation, physicochemical variation, residue mobility, and thermodynamic stability) performed at Invitae indicates that this missense variant is expected to disrupt HGD protein function with a positive predictive value of 80%. In summary, the available evidence is currently insufficient to determine the role of this variant in disease. Therefore, it has been classified as a Variant of Uncertain Significance.